The following is an entry in ClinVar:

ClinVar aggregate classification (germline): Uncertain significance. Review status: criteria provided, multiple submitters, no conflicts (2 of 4 stars). 5 submissions from 5 submitters: Uncertain significance (4). 1 of the submissions does not count toward it. Last evaluated 2025-11-04.

Conditions:
Cardiomyopathy (CMYO). Also called: Cardiomyopathies. Identifiers: Orphanet 167848, MedGen C0878544, MONDO:0004994, HP:0001638. Inheritance: Various modes of inheritance.
Cardiovascular phenotype. Identifiers: MedGen CN230736.
Hypertrophic cardiomyopathy. Also called: HYPERTROPHIC MYOCARDIOPATHY. Identifiers: Orphanet 217569, MedGen C0007194, MeSH D002312, MONDO:0005045, HP:0001639.
MYH7-related disorder. Also called: MYH7-related condition; MYH7-related disease; MYH7-related disorders.

Allele frequency attached by ClinVar (database versions not stated): gnomAD exomes below 0.00001; TOPMed below 0.00001; gnomAD 0.00001.
gnomAD v4.1: 6 of 1,614,062 alleles (0.00037%); highest among the groups gnomAD compares: Admixed American, 0.0033%; no homozygotes.

Submissions (5):

Ambry Genetics
Classification: Uncertain significance for Cardiovascular phenotype. Last evaluated: 2025-11-04. Review status: criteria provided, single submitter. Criteria: Ambry Variant Classification Scheme 2023. Collection method: clinical testing. Allele origin: germline.
Comment: The p.R1697W variant (also known as c.5089C>T), located in coding exon 33 of the MYH7 gene, results from a C to T substitution at nucleotide position 5089. The arginine at codon 1697 is replaced by tryptophan, an amino acid with dissimilar properties. This variant was reported in individual(s) with features consistent with dilated cardiomyopathy (Haas J et al. Eur Heart J, 2015 May;36:1123-35a; Pe&ntilde;a-Pe&ntilde;a ML et al. Med Clin (Barc), 2021 May;156:485-495). This amino acid position is highly conserved in available vertebrate species. In addition, this alteration is predicted to be deleterious by in silico analysis. Based on the available evidence, the clinical significance of this variant remains unclear.

All of Us Research Program, National Institutes of Health
Classification: Uncertain significance for Cardiomyopathy. Last evaluated: 2024-09-27. Review status: criteria provided, single submitter. Criteria: ACMG Guidelines, 2015. Collection method: clinical testing. Allele origin: germline. Inheritance: Autosomal dominant inheritance. Observed: 2 variant alleles, 2 heterozygotes.
Comment: This missense variant replaces arginine with tryptophan at codon 1697 of the MYH7 protein. Computational prediction suggests that this variant may have deleterious impact on protein structure and function (internally defined REVEL score threshold >= 0.7, PMID: 27666373). To our knowledge, functional studies have not been reported for this variant. This variant has not been reported in individuals affected with MYH7-related disorders in the literature. This variant has been identified in 1/251178 chromosomes in the general population by the Genome Aggregation Database (gnomAD). The available evidence is insufficient to determine the role of this variant in disease conclusively. Therefore, this variant is classified as a Variant of Uncertain Significance.

This study involves interpretation of variants in research participants for the purpose of population health screening. Participant phenotype was not available at the time of variant classification. Additional details can be found in publication PMID: 35346344, PMCID: PMC8962531

GeneDx
Classification: Uncertain significance. Last evaluated: 2023-06-12. Review status: criteria provided, single submitter. Criteria: GeneDx Variant Classification Process June 2021. Collection method: clinical testing. Allele origin: germline. Affected: yes.
Comment: Identified in a patient with DCM in the published literature (Haas et al., 2015); Not observed at a significant frequency in large population cohorts (gnomAD); In silico analysis supports that this missense variant has a deleterious effect on protein structure/function; This variant is associated with the following publications: (PMID: 34542152, 25163546)

Labcorp Genetics (formerly Invitae), Labcorp
Classification: Uncertain significance for Hypertrophic cardiomyopathy. Last evaluated: 2020-06-21. Review status: criteria provided, single submitter. Criteria: Invitae Variant Classification Sherloc (09022015). Collection method: clinical testing. Allele origin: germline.
Comment: This sequence change replaces arginine with tryptophan at codon 1697 of the MYH7 protein (p.Arg1697Trp). The arginine residue is highly conserved and there is a moderate physicochemical difference between arginine and tryptophan. This variant is not present in population databases (ExAC no frequency). This variant has been observed in individual(s) with dilated cardiomyopathy (PMID: 25163546). Algorithms developed to predict the effect of missense changes on protein structure and function are either unavailable or do not agree on the potential impact of this missense change (SIFT: "Deleterious"; PolyPhen-2: "Probably Damaging"; Align-GVGD: "Class C0"). In summary, the available evidence is currently insufficient to determine the role of this variant in disease. Therefore, it has been classified as a Variant of Uncertain Significance.

PreventionGenetics, part of Exact Sciences
Classification: Uncertain significance for MYH7-related condition. Last evaluated: 2024-06-27. Review status: no assertion criteria provided. Collection method: clinical testing. Allele origin: germline. Not counted in ClinVar's aggregate classification.
Comment: The MYH7 c.5089C>T variant is predicted to result in the amino acid substitution p.Arg1697Trp. This variant has been reported in two individuals with dilated cardiomyopathy (Table S6, Haas et al. 2015. PubMed ID: 25163546; Peña-Peña et al. 2021. PubMed ID: 32826072). This variant has also been reported in an individual without a personal history of hypertrophic cardiomyopathy (Table S6, Park et al. 2022. PubMed ID: 34542152). This variant is reported in 0.0029% of alleles in individuals of Latino descent in gnomAD. At this time, the clinical significance of this variant is uncertain due to the absence of conclusive functional and genetic evidence.

Literature cited by the submitters: PubMed 25163546 (cited by Ambry Genetics and Labcorp Genetics (formerly Invitae), Labcorp); PubMed 32826072 (cited by Ambry Genetics).

NM_000257.4(MYH7):c.5089C>T (p.Arg1697Trp)

Genes: MHRT (myosin heavy chain associated RNA transcript; plus strand), MYH7 (myosin heavy chain 7; minus strand), LOC126861897 (BRD4-independent group 4 enhancer GRCh37_chr14:23884455-23885654; plus strand). Cytogenetic location: 14q11.2.
Variant type: single nucleotide variant.
Coding change: c.5089C>T on transcript NM_000257.4 (MANE Select); coding-DNA position 5089, C replaced by T.
Protein change: p.Arg1697Trp; replaces arginine 1697 with tryptophan.
Molecular consequence: missense variant. On other transcripts: non-coding transcript variant (1).
Genome position (GRCh38, 1-based): chr14:23,415,697, G>A on the plus strand (C>T on the coding strand, the complement: MYH7 is on the minus strand). VCF-style: chr14-23415697-G-A. GRCh37 (hg19) VCF-style: chr14-23884906-G-A.
Other names: c.5089C>T (NM_000257.2, NM_000257.3); short protein forms R1697W.
Identifiers: ClinVar variation 1062086 (VCV001062086.14), dbSNP rs1282833804, ClinGen allele CA389036983.